The following is an entry in ClinVar:

ClinVar aggregate classification (germline): Uncertain significance (1 of 4 stars; one submission).

Submission:

Labcorp Genetics (formerly Invitae), Labcorp
Classification: Uncertain significance. Last evaluated: 2024-11-08. Review status: criteria provided, single submitter. Criteria: Invitae Variant Classification Sherloc (09022015). Collection method: clinical testing. Allele origin: germline.
Comment: This sequence change replaces alanine, which is neutral and non-polar, with valine, which is neutral and non-polar, at codon 171 of the PITPNM3 protein (p.Ala171Val). This variant is not present in population databases (gnomAD no frequency). This variant has not been reported in the literature in individuals affected with PITPNM3-related conditions. Invitae Evidence Modeling of protein sequence and biophysical properties (such as structural, functional, and spatial information, amino acid conservation, physicochemical variation, residue mobility, and thermodynamic stability) indicates that this missense variant is not expected to disrupt PITPNM3 protein function with a negative predictive value of 80%. In summary, the available evidence is currently insufficient to determine the role of this variant in disease. Therefore, it has been classified as a Variant of Uncertain Significance.

NM_031220.4(PITPNM3):c.512C>T (p.Ala171Val)

Gene: PITPNM3 (PITPNM family member 3; minus strand). Cytogenetic location: 17p13.2.
Variant type: single nucleotide variant.
Coding change: c.512C>T on transcript NM_031220.4 (MANE Select); coding-DNA position 512, C replaced by T.
Protein change: p.Ala171Val; replaces alanine 171 with valine.
Molecular consequence: missense variant.
Genome position (GRCh38, 1-based): chr17:6,483,592, G>A on the plus strand (C>T on the coding strand, the complement: PITPNM3 is on the minus strand). VCF-style: chr17-6483592-G-A. GRCh37 (hg19) VCF-style: chr17-6386912-G-A.
Other names: c.404C>T, p.Ala135Val (NM_001165966.2); short protein forms A171V, A135V.
Identifiers: ClinVar variation 3684836 (VCV003684836.2).
Genomic context (GRCh38, chr17:6,483,592, plus strand): 5'-AAAGCCTCAGAGCAGATGGCAGGACAGGGGACGAACTTGATGAGGATGTGGCCCAGGGCA[G>A]CAGGGAAATGGGCTCGTGTGACCTTCTCCAGCACGGAGCTGAAGGTGTGGATGTCGGCTG-3'
Protein context (NP_112497.2, residues 161-181): LEKVTRAHFP[Ala171Val]ALGHILIKFV